The following is an entry in ClinVar:

NM_001369.3(DNAH5):c.6086G>T (p.Gly2029Val)

Gene: DNAH5 (dynein axonemal heavy chain 5; minus strand). Cytogenetic location: 5p15.2.
Variant type: single nucleotide variant.
Coding change: c.6086G>T on transcript NM_001369.3 (MANE Select); coding-DNA position 6086, G replaced by T.
Protein change: p.Gly2029Val; replaces glycine 2029 with valine.
Molecular consequence: missense variant.
Genome position (GRCh38, 1-based): chr5:13,830,189, C>A on the plus strand (G>T on the coding strand, the complement: DNAH5 is on the minus strand). VCF-style: chr5-13830189-C-A. GRCh37 (hg19) VCF-style: chr5-13830298-C-A.
Other names: short protein forms G2029V.
Identifiers: ClinVar variation 1492414 (VCV001492414.15), dbSNP rs1763454468, ClinGen allele CA359201732.

ClinVar aggregate classification (germline): Uncertain significance (1 of 4 stars; one submission).

Conditions:
Primary ciliary dyskinesia. Also called: Ciliary dyskinesia. Identifiers: Orphanet 244, MedGen C0008780, MONDO:0016575, HP:0012265.

gnomAD v4.1: 2 of 1,613,768 alleles (0.00012%); highest among the groups gnomAD compares: African/African-American, 0.0013%; no homozygotes.

Submission:

Labcorp Genetics (formerly Invitae), Labcorp
Classification: Uncertain significance for Primary ciliary dyskinesia. Last evaluated: 2022-07-05. Review status: criteria provided, single submitter. Criteria: Invitae Variant Classification Sherloc (09022015). Collection method: clinical testing. Allele origin: germline.
Comment: In summary, the available evidence is currently insufficient to determine the role of this variant in disease. Therefore, it has been classified as a Variant of Uncertain Significance. Algorithms developed to predict the effect of sequence changes on RNA splicing suggest that this variant may create or strengthen a splice site. Algorithms developed to predict the effect of missense changes on protein structure and function are either unavailable or do not agree on the potential impact of this missense change (SIFT: "Deleterious"; PolyPhen-2: "Probably Damaging"; Align-GVGD: "Class C0"). ClinVar contains an entry for this variant (Variation ID: 1492414). This variant has not been reported in the literature in individuals affected with DNAH5-related conditions. This variant is not present in population databases (gnomAD no frequency). This sequence change replaces glycine, which is neutral and non-polar, with valine, which is neutral and non-polar, at codon 2029 of the DNAH5 protein (p.Gly2029Val).